The following is an entry in ClinVar:

NM_002830.4(PTPN4):c.138+2T>C

Gene: PTPN4 (protein tyrosine phosphatase non-receptor type 4; plus strand). Cytogenetic location: 2q14.2.
Variant type: single nucleotide variant.
Coding change: c.138+2T>C on transcript NM_002830.4 (MANE Select); the canonical splice donor site of the intron after coding-DNA position 138, T replaced by C.
Molecular consequence: splice donor variant.
Genome position (GRCh38, 1-based): chr2:119,809,993, T>C. VCF-style: chr2-119809993-T-C. GRCh37 (hg19) VCF-style: chr2-120567569-T-C.
Identifiers: ClinVar variation 2202475 (VCV002202475.4), dbSNP rs2466894996, ClinGen allele CA348188204.

ClinVar aggregate classification (germline): Likely pathogenic (1 of 4 stars; one submission).

Allele frequency attached by ClinVar (database versions not stated): gnomAD exomes below 0.00001.
gnomAD v4.1: 2 of 1,603,686 alleles (0.00012%); highest among the groups gnomAD compares: Non-Finnish European, 0.00017%; no homozygotes.

Submission:

Labcorp Genetics (formerly Invitae), Labcorp
Classification: Likely pathogenic. Last evaluated: 2022-11-14. Review status: criteria provided, single submitter. Criteria: Invitae Variant Classification Sherloc (09022015). Collection method: clinical testing. Allele origin: germline.
Comment: This variant is not present in population databases (gnomAD no frequency). In summary, the currently available evidence indicates that the variant is pathogenic, but additional data are needed to prove that conclusively. Therefore, this variant has been classified as Likely Pathogenic. This variant has not been reported in the literature in individuals affected with PTPN4-related conditions. This sequence change affects a donor splice site in intron 2 of the PTPN4 gene. It is expected to disrupt RNA splicing. Variants that disrupt the donor or acceptor splice site typically lead to a loss of protein function (PMID: 16199547), and loss-of-function variants in PTPN4 are known to be pathogenic (PMID: 34527963).

Literature cited by the submitters: PubMed 16199547; PubMed 34527963.